The following is an entry in ClinVar:

NC_000023.10:g.(?_31139940)_(31241248_?)dup

Gene: DMD (dystrophin; minus strand). Cytogenetic location: Xp21.2.
Variant type: Duplication.
Identifiers: ClinVar variation 3243671 (VCV003243671.1).

ClinVar aggregate classification (germline): Uncertain significance (1 of 4 stars; one submission).

Conditions:
Duchenne muscular dystrophy (DMD). Also called: MUSCULAR DYSTROPHY, PSEUDOHYPERTROPHIC PROGRESSIVE, DUCHENNE TYPE; Duchenne Muscular Dystrophy (DMD). Identifiers: Orphanet 98896, MedGen C0013264, MONDO:0010679, OMIM 310200.

Submission:

Labcorp Genetics (formerly Invitae), Labcorp
Classification: Uncertain significance for Duchenne muscular dystrophy. Last evaluated: 2023-10-03. Review status: criteria provided, single submitter. Criteria: Invitae Variant Classification Sherloc (09022015). Collection method: clinical testing. Allele origin: unknown.
Comment: This variant results in a copy number gain of the genomic region encompassing exon(s) 64-79 of the DMD gene. This region includes the termination codon of the gene. This copy number gain extends beyond the assayed region for this gene and therefore may encompass additional genes. As the precise location of this event is unknown, it may be in tandem or it may be located elsewhere in the genome. A similar copy number variant has been observed in individual(s) with clinical features of DMD-related conditions (PMID: 22369279). Experimental studies and prediction algorithms are not available or were not evaluated, and the functional significance of this variant is currently unknown. In summary, the available evidence is currently insufficient to determine the role of this variant in disease. Therefore, it has been classified as a Variant of Uncertain Significance.

Literature cited by the submitters: PubMed 22369279.